The following is an entry in ClinVar:

ClinVar aggregate classification (germline): Uncertain significance (1 of 4 stars; one submission).

Conditions:
Inborn genetic diseases. Identifiers: MedGen C0950123, MeSH D030342.

gnomAD v4.1: 2 of 1,614,154 alleles (0.00012%); highest among the groups gnomAD compares: South Asian, 0.0011%; no homozygotes.

Submission:

Ambry Genetics
Classification: Uncertain significance for Inborn genetic diseases. Last evaluated: 2024-12-08. Review status: criteria provided, single submitter. Criteria: Ambry Variant Classification Scheme 2023. Collection method: clinical testing. Allele origin: germline.
Comment: The p.D316G variant (also known as c.947A>G), located in coding exon 9 of the ANKRD26 gene, results from an A to G substitution at nucleotide position 947. The aspartic acid at codon 316 is replaced by glycine, an amino acid with similar properties. This amino acid position is conserved. In addition, this alteration is predicted to be tolerated by in silico analysis. Based on the available evidence, the clinical significance of this variant remains unclear.

NM_014915.3(ANKRD26):c.947A>G (p.Asp316Gly)

Gene: ANKRD26 (ankyrin repeat domain containing 26; minus strand). Cytogenetic location: 10p12.1.
Variant type: single nucleotide variant.
Coding change: c.947A>G on transcript NM_014915.3 (MANE Select); coding-DNA position 947, A replaced by G.
Protein change: p.Asp316Gly; replaces aspartic acid 316 with glycine.
Molecular consequence: missense variant.
Genome position (GRCh38, 1-based): chr10:27,077,468, T>C on the plus strand (A>G on the coding strand, the complement: ANKRD26 is on the minus strand). VCF-style: chr10-27077468-T-C. GRCh37 (hg19) VCF-style: chr10-27366397-T-C.
Other names: c.947A>G, p.Asp316Gly (NM_001256053.2); short protein forms D316G.
Identifiers: ClinVar variation 3397265 (VCV003397265.1).